The following is an entry in ClinVar:

NM_000038.6(APC):c.3964G>A (p.Glu1322Lys)

Gene: APC (APC regulator of Wnt signaling pathway; plus strand). Cytogenetic location: 5q22.2.
Variant type: single nucleotide variant.
Coding change: c.3964G>A on transcript NM_000038.6 (MANE Select); coding-DNA position 3964, G replaced by A.
Protein change: p.Glu1322Lys; replaces glutamic acid 1322 with lysine.
Molecular consequence: missense variant.
Genome position (GRCh38, 1-based): chr5:112,839,558, G>A. VCF-style: chr5-112839558-G-A. GRCh37 (hg19) VCF-style: chr5-112175255-G-A.
Other names: c.3964G>A, p.Glu1322Lys (NM_001127510.3, NM_001354895.2); c.3910G>A, p.Glu1304Lys (NM_001127511.3); c.4018G>A, p.Glu1340Lys (NM_001354896.2); c.3994G>A, p.Glu1332Lys (NM_001354897.2); c.3889G>A, p.Glu1297Lys (NM_001354898.2); c.3880G>A, p.Glu1294Lys (NM_001354899.2); c.3841G>A, p.Glu1281Lys (NM_001354900.2); c.3787G>A, p.Glu1263Lys (NM_001354901.2); and 5 more; short protein forms E1304K, E1322K, E1039K, E1294K, E1231K, E1340K, E1162K, E1281K.
Identifiers: ClinVar variation 232718 (VCV000232718.34), dbSNP rs752926571, ClinGen allele CA037222.

ClinVar aggregate classification (germline): Conflicting classifications of pathogenicity. Review status: criteria provided, conflicting classifications (1 of 4 stars). 11 submissions from 11 submitters: Uncertain significance (9); Likely benign (1). 1 of the submissions does not count toward it. Last evaluated 2026-01-26.

Conditions:
APC-related disorder. Also called: APC-related condition.
Desmoid disease, hereditary (DESMD). Also called: FIBROMATOSIS, FAMILIAL INFILTRATIVE. Identifiers: Orphanet 873, MedGen C1851124, OMIM 135290. Disease mechanism: loss of function.
Gastric cancer. Also called: Stomach cancer; Malignant tumor of stomach. Identifiers: MedGen C0024623, MeSH D013274, MONDO:0001056, OMIM 613659, HP:0012126.
Familial adenomatous polyposis 1 (FAP1). Also called: POLYPOSIS, ADENOMATOUS INTESTINAL; FAMILIAL ADENOMATOUS POLYPOSIS 1, ATTENUATED. Identifiers: MedGen C2713442, MONDO:0021056, OMIM 175100. Disease mechanism: loss of function.
Gastric adenocarcinoma and proximal polyposis of the stomach (GAPPS). Also called: Polyposis, gastric, Dos Santos and de Magalhaes 1980; POLYPOSIS, GASTRIC; Gastric Adenocarcinoma and Proximal Polyposis of the Stomach (GAPPS). Identifiers: Orphanet 314022, MedGen C4749917, MONDO:0017790, OMIM 619182.
Hepatocellular carcinoma (HCC). Also called: Primary carcinoma of liver; HEPATOMA; LIVER CELL CARCINOMA. Identifiers: Orphanet 88673, MedGen C2239176, MONDO:0007256, OMIM 114550, HP:0001402.
Colorectal cancer. Also called: Colorectal cancer, somatic; Malignant Colorectal Neoplasm. Identifiers: MedGen C0346629, MONDO:0005575, OMIM 114500.
Classic or attenuated familial adenomatous polyposis. Identifiers: MedGen CN372698, MONDO:0021057.
Hereditary cancer-predisposing syndrome. Also called: Neoplastic Syndromes, Hereditary; Hereditary neoplastic syndrome; Hereditary Cancer Syndrome; Tumor predisposition. Identifiers: Orphanet 140162, MedGen C0027672, MeSH D009386, MONDO:0015356.

Allele frequency attached by ClinVar (database versions not stated): gnomAD 0.00001; TOPMed 0.00001; ExAC 0.00002; gnomAD exomes 0.00002.
gnomAD v4.1: 29 of 1,614,060 alleles (0.0018%); highest among the groups gnomAD compares: Admixed American, 0.005%; no homozygotes.

Submissions (11):

Labcorp Genetics (formerly Invitae), Labcorp
Classification: Uncertain significance for Familial adenomatous polyposis 1. Last evaluated: 2026-01-26. Review status: criteria provided, single submitter. Criteria: Invitae Variant Classification Sherloc (09022015). Collection method: clinical testing. Allele origin: germline.
Comment: This sequence change replaces glutamic acid, which is acidic and polar, with lysine, which is basic and polar, at codon 1322 of the APC protein (p.Glu1322Lys). The frequency data for this variant in the population databases is considered unreliable, as metrics indicate poor data quality at this position in the gnomAD database. This variant has not been reported in the literature in individuals affected with APC-related conditions. ClinVar contains an entry for this variant (Variation ID: 232718). Invitae Evidence Modeling of protein sequence and biophysical properties (such as structural, functional, and spatial information, amino acid conservation, physicochemical variation, residue mobility, and thermodynamic stability) indicates that this missense variant is not expected to disrupt APC protein function with a negative predictive value of 95%. In summary, the available evidence is currently insufficient to determine the role of this variant in disease. Therefore, it has been classified as a Variant of Uncertain Significance.

Women's Health and Genetics/Laboratory Corporation of America, LabCorp
Classification: Uncertain significance. Last evaluated: 2025-10-23. Review status: criteria provided, single submitter. Criteria: LabCorp Variant Classification Summary - May 2015. Collection method: clinical testing. Allele origin: germline.
Comment: Variant summary: APC c.3964G>A (p.Glu1322Lys) results in a conservative amino acid change in the encoded protein sequence. Algorithms developed to predict the effect of missense changes on protein structure and function are either unavailable or do not agree on the potential impact of this missense change. The variant allele was found at a frequency of 2.4e-05 in 251180 control chromosomes. The available data on variant occurrences in the general population are insufficient to allow any conclusion about variant significance. To our knowledge, no occurrence of c.3964G>A in individuals affected with APC-related conditions and no experimental evidence demonstrating its impact on protein function have been reported. ClinVar contains an entry for this variant (Variation ID: 232718). Based on the evidence outlined above, the variant was classified as uncertain significance.

Color Diagnostics, LLC DBA Color Health
Classification: Uncertain significance for Hereditary cancer-predisposing syndrome. Last evaluated: 2024-09-09. Review status: criteria provided, single submitter. Criteria: ACMG Guidelines, 2015. Collection method: clinical testing. Allele origin: germline.
Comment: This missense variant replaces glutamic acid with lysine at codon 1322 of the APC protein. Computational prediction suggests that this variant may not impact protein structure and function (internally defined REVEL score threshold <= 0.5, PMID: 27666373). To our knowledge, functional studies have not been reported for this variant. This variant has been reported in an individual affected with advanced cancer (PMID: 28873162). This variant has been identified in 7/282580 chromosomes in the general population by the Genome Aggregation Database (gnomAD). The available evidence is insufficient to determine the role of this variant in disease conclusively. Therefore, this variant is classified as a Variant of Uncertain Significance.

All of Us Research Program, National Institutes of Health
Classification: Uncertain significance for Classic or attenuated familial adenomatous polyposis. Last evaluated: 2024-05-09. Review status: criteria provided, single submitter. Criteria: ACMG Guidelines, 2015. Collection method: clinical testing. Allele origin: germline. Inheritance: Autosomal dominant inheritance. Observed: 5 variant alleles, 5 heterozygotes.
Comment: This missense variant replaces glutamic acid with lysine at codon 1322 of the APC protein. Computational prediction suggests that this variant may not impact protein structure and function (internally defined REVEL score threshold <= 0.5, PMID: 27666373). To our knowledge, functional studies have not been reported for this variant. This variant has been reported in an individual affected with advanced cancer (PMID: 28873162). This variant has been identified in 7/282580 chromosomes in the general population by the Genome Aggregation Database (gnomAD). The available evidence is insufficient to determine the role of this variant in disease conclusively. Therefore, this variant is classified as a Variant of Uncertain Significance.

This study involves interpretation of variants in research participants for the purpose of population health screening. Participant phenotype was not available at the time of variant classification. Additional details can be found in publication PMID: 35346344, PMCID: PMC8962531

Baylor Genetics
Classification: Uncertain significance for Familial adenomatous polyposis 1. Last evaluated: 2024-03-06. Review status: criteria provided, single submitter. Criteria: ACMG Guidelines, 2015. Collection method: clinical testing. Allele origin: unknown.

GeneDx
Classification: Uncertain significance. Last evaluated: 2024-01-23. Review status: criteria provided, single submitter. Criteria: GeneDx Variant Classification Process June 2021. Collection method: clinical testing. Allele origin: germline. Affected: yes.
Comment: In silico analysis supports that this missense variant does not alter protein structure/function; Has not been previously published as pathogenic or benign to our knowledge; This variant is associated with the following publications: (PMID: 18199528)

Fulgent Genetics
Classification: Uncertain significance for Colorectal cancer; Hepatocellular carcinoma; Desmoid disease, hereditary; Familial adenomatous polyposis 1; Gastric cancer; Gastric adenocarcinoma and proximal polyposis of the stomach. Last evaluated: 2024-01-16. Review status: criteria provided, single submitter. Criteria: ACMG Guidelines, 2015. Collection method: clinical testing. Allele origin: germline.

Quest Diagnostics Nichols Institute San Juan Capistrano
Classification: Uncertain significance. Last evaluated: 2023-11-08. Review status: criteria provided, single submitter. Criteria: Quest Diagnostics criteria. Collection method: clinical testing. Allele origin: unknown.
Comment: The APC c.3964G>A (p.Glu1322Lys) variant has not been reported in individuals with APC-related conditions in the published literature. The frequency of this variant in the general population, 0.000085 (3/35426 chromosomes in Latino/Admixed American subpopulation (Genome Aggregation Database)), is higher than would generally be expected for pathogenic variants in this gene. Analysis of this variant using bioinformatics tools for the prediction of the effect of amino acid changes on protein structure and function yielded predictions that this variant is benign. Based on the available information, we are unable to determine the clinical significance of this variant.

Ambry Genetics
Classification: Likely benign for Hereditary cancer-predisposing syndrome. Last evaluated: 2022-08-18. Review status: criteria provided, single submitter. Criteria: Ambry Variant Classification Scheme 2023. Collection method: clinical testing. Allele origin: germline.

Genetic Services Laboratory, University of Chicago
Classification: Uncertain significance. Last evaluated: 2021-01-15. Review status: criteria provided, single submitter. Criteria: ACMG Guidelines, 2015. Collection method: clinical testing. Allele origin: germline. Affected: no.
Comment: DNA sequence analysis of the APC gene demonstrated a sequence change, c.3964G>A, in exon 16 that results in an amino acid change, p.Glu1322Lys. This sequence change does not appear to have been previously described in patients with APC-related disorders and has been described in the gnomAD database in seven individuals with an overall population frequency of 0.003% (dbSNP rs752926571). The p.Glu1322Lys change affects a highly conserved amino acid residue located in a domain of the APC protein that is not known to be functional. In-silico pathogenicity prediction tools (SIFT, PolyPhen2, Align GVGD, REVEL) provide contradictory results for the p.Glu1322Lys substitution. Due to these contrasting evidences and the lack of functional studies, the clinical significance of the p.Glu1322Lys change remains unknown at this time.

PreventionGenetics, part of Exact Sciences
Classification: Uncertain significance for APC-related condition. Last evaluated: 2024-07-18. Review status: no assertion criteria provided. Collection method: clinical testing. Allele origin: germline. Not counted in ClinVar's aggregate classification.
Comment: The APC c.3964G>A variant is predicted to result in the amino acid substitution p.Glu1322Lys. This variant has been reported as a variant of uncertain significance in an individual affected with advanced cancer (Mandelker D. et al. 2017. PubMed ID: 28873162). This variant is reported in 0.0085% of alleles in individuals of Latino descent in gnomAD and has been interpreted as a variant of uncertain significance and likely benign in ClinVar. At this time, the clinical significance of this variant is uncertain due to the absence of conclusive functional and genetic evidence.

Literature cited by the submitters: PubMed 28873162 (cited by Color Diagnostics, LLC DBA Color Health and All of Us Research Program, National Institutes of Health).